The following is an entry in ClinVar:

NM_020706.2(SCAF4):c.2431C>T (p.Pro811Ser)

Gene: SCAF4 (SR-related CTD associated factor 4; minus strand). Cytogenetic location: 21q22.11.
Variant type: single nucleotide variant.
Coding change: c.2431C>T on transcript NM_020706.2 (MANE Select); coding-DNA position 2431, C replaced by T.
Protein change: p.Pro811Ser; replaces proline 811 with serine.
Molecular consequence: missense variant.
Genome position (GRCh38, 1-based): chr21:31,685,106, G>A on the plus strand (C>T on the coding strand, the complement: SCAF4 is on the minus strand). VCF-style: chr21-31685106-G-A. GRCh37 (hg19) VCF-style: chr21-33057419-G-A.
Other names: c.2386C>T, p.Pro796Ser (NM_001145444.1); c.2365C>T, p.Pro789Ser (NM_001145445.1); short protein forms P789S, P796S, P811S.
Identifiers: ClinVar variation 1676395 (VCV001676395.2), dbSNP rs2123498648, ClinGen allele CA410043893.

ClinVar aggregate classification (germline): Uncertain significance (1 of 4 stars; one submission).

Submission:

GeneDx
Classification: Uncertain significance. Last evaluated: 2022-03-25. Review status: criteria provided, single submitter. Criteria: GeneDx Variant Classification Process June 2021. Collection method: clinical testing. Allele origin: germline. Affected: yes.
Comment: Not observed at significant frequency in large population cohorts (gnomAD); In silico analysis supports that this missense variant has a deleterious effect on protein structure/function; Has not been previously published as pathogenic or benign to our knowledge; This variant is associated with the following publications: (PMID: 27535533)